The following is an entry in ClinVar:

NM_003238.6(TGFB2):c.844C>A (p.Leu282Met)

Gene: TGFB2 (transforming growth factor beta 2; plus strand). Cytogenetic location: 1q41.
Variant type: single nucleotide variant.
Coding change: c.844C>A on transcript NM_003238.6 (MANE Select); coding-DNA position 844, C replaced by A.
Protein change: p.Leu282Met; replaces leucine 282 with methionine.
Molecular consequence: missense variant.
Genome position (GRCh38, 1-based): chr1:218,436,059, C>A. VCF-style: chr1-218436059-C-A. GRCh37 (hg19) VCF-style: chr1-218609401-C-A.
Other names: c.928C>A, p.Leu310Met (NM_001135599.4); short protein forms L310M, L282M.
Identifiers: ClinVar variation 2131627 (VCV002131627.4), dbSNP rs2464871987, ClinGen allele CA344727183.

ClinVar aggregate classification (germline): Uncertain significance (1 of 4 stars; one submission).

Conditions:
Loeys-Dietz syndrome 4 (LDS4). Also called: TGFB2-Related Loeys-Dietz Syndrome; ANEURYSM, AORTIC AND CEREBRAL, WITH ARTERIAL TORTUOSITY AND SKELETAL MANIFESTATIONS. Identifiers: MedGen C3553762, MONDO:0013897, OMIM 614816.

Submission:

Labcorp Genetics (formerly Invitae), Labcorp
Classification: Uncertain significance for Loeys-Dietz syndrome 4. Last evaluated: 2022-04-29. Review status: criteria provided, single submitter. Criteria: Invitae Variant Classification Sherloc (09022015). Collection method: clinical testing. Allele origin: germline.
Comment: In summary, the available evidence is currently insufficient to determine the role of this variant in disease. Therefore, it has been classified as a Variant of Uncertain Significance. Algorithms developed to predict the effect of sequence changes on RNA splicing suggest that this variant may disrupt the consensus splice site. Algorithms developed to predict the effect of missense changes on protein structure and function are either unavailable or do not agree on the potential impact of this missense change (SIFT: "Tolerated"; PolyPhen-2: "Probably Damaging"; Align-GVGD: "Class C0"). This variant has not been reported in the literature in individuals affected with TGFB2-related conditions. This variant is not present in population databases (gnomAD no frequency). This sequence change replaces leucine, which is neutral and non-polar, with methionine, which is neutral and non-polar, at codon 282 of the TGFB2 protein (p.Leu282Met).